The following is an entry in ClinVar:

NM_001386140.1(MTTP):c.1815T>A (p.Tyr605Ter)

Gene: MTTP (microsomal triglyceride transfer protein; plus strand). Cytogenetic location: 4q23.
Variant type: single nucleotide variant.
Coding change: c.1815T>A on transcript NM_001386140.1 (MANE Select); coding-DNA position 1815, T replaced by A.
Protein change: p.Tyr605Ter; replaces tyrosine 605 with a stop codon.
Molecular consequence: nonsense.
Genome position (GRCh38, 1-based): chr4:99,611,188, T>A. VCF-style: chr4-99611188-T-A. GRCh37 (hg19) VCF-style: chr4-100532345-T-A.
Other names: c.1815T>A, p.Tyr605Ter (NM_000253.4); c.1566T>A, p.Tyr522Ter (NM_001300785.2); short protein forms Y522*, Y605*.
Identifiers: ClinVar variation 1421683 (VCV001421683.7), dbSNP rs2110231743, ClinGen allele CA357514441.

ClinVar aggregate classification (germline): Pathogenic. Review status: criteria provided, multiple submitters, no conflicts (2 of 4 stars). 2 submissions from 2 submitters: Pathogenic (2). Last evaluated 2025-03-02.

Conditions:
Abetalipoproteinaemia (ABL). Also called: Abetalipoproteinemia; Abetalipoproteinemia neuropathy; Apolipoprotein B deficiency; Congenital betalipoprotein deficiency syndrome; MTP DEFICIENCY. Identifiers: Orphanet 14, MedGen C0000744, MONDO:0008692, OMIM 200100, HP:0008181.

Submissions (2):

Myriad Genetics, Inc.
Classification: Pathogenic for Abetalipoproteinaemia. Last evaluated: 2025-03-02. Review status: criteria provided, single submitter. Criteria: Myriad Autosomal Dominant, Autosomal Recessive and X-Linked Classification Criteria (2023). Collection method: clinical testing. Allele origin: unknown.
Comment: NM_000253.2(MTTP):c.1815T>A(Y605*) is expected to be pathogenic in the context of abetalipoproteinemia. This variant is predicted to lead to an abnormal or absent protein product due to the creation of a premature termination codon in MTTP, a gene where loss-of-function variants are known to be pathogenic. Please note: this variant was assessed in the context of healthy population screening.

Labcorp Genetics (formerly Invitae), Labcorp
Classification: Pathogenic. Last evaluated: 2021-10-24. Review status: criteria provided, single submitter. Criteria: Invitae Variant Classification Sherloc (09022015). Collection method: clinical testing. Allele origin: germline.
Comment: For these reasons, this variant has been classified as Pathogenic. Algorithms developed to predict the effect of sequence changes on RNA splicing suggest that this variant may create or strengthen a splice site. This variant has not been reported in the literature in individuals affected with MTTP-related conditions. This variant is not present in population databases (gnomAD no frequency). This sequence change creates a premature translational stop signal (p.Tyr605*) in the MTTP gene. It is expected to result in an absent or disrupted protein product. Loss-of-function variants in MTTP are known to be pathogenic (PMID: 8533758, 9671739).

Literature cited by the submitters: PubMed 8533758 (cited by Labcorp Genetics (formerly Invitae), Labcorp); PubMed 9671739 (cited by Labcorp Genetics (formerly Invitae), Labcorp).